The following is an entry in ClinVar:

NM_003590.5(CUL3):c.950dup (p.Met317fs)

Gene: CUL3 (cullin 3; minus strand). Cytogenetic location: 2q36.2.
Variant type: Duplication.
Coding change: c.950dup on transcript NM_003590.5 (MANE Select); coding-DNA position 950, one base duplicated (T; older notation c.950dupT).
Protein change: p.Met317fs; shifts the reading frame from methionine 317.
Molecular consequence: frameshift variant.
Genome position (GRCh38, 1-based): chr2:224,506,937, A duplicated on the plus strand (T on the coding strand, the reverse complement: CUL3 is on the minus strand). VCF-style (leftmost placement, unchanged base first): chr2-224506936-C-CA. GRCh37 (hg19) VCF-style: chr2-225371653-C-CA.
Other names: c.752dup, p.Met251fs (NM_001257197.2); c.968dup, p.Met323fs (NM_001257198.2); short protein forms M317fs, M251fs, M323fs.
Identifiers: ClinVar variation 2872673 (VCV002872673.3), dbSNP rs2469984456, ClinGen allele CA2739279033.

ClinVar aggregate classification (germline): Pathogenic (1 of 4 stars; one submission).

Submission:

Labcorp Genetics (formerly Invitae), Labcorp
Classification: Pathogenic. Last evaluated: 2022-12-07. Review status: criteria provided, single submitter. Criteria: Invitae Variant Classification Sherloc (09022015). Collection method: clinical testing. Allele origin: germline.
Comment: For these reasons, this variant has been classified as Pathogenic. This variant has not been reported in the literature in individuals affected with CUL3-related conditions. This variant is not present in population databases (gnomAD no frequency). This sequence change creates a premature translational stop signal (p.Met317Ilefs*10) in the CUL3 gene. It is expected to result in an absent or disrupted protein product. Loss-of-function variants in CUL3 are known to be pathogenic (PMID: 32341456).

Literature cited by the submitters: PubMed 32341456.